The following is an entry in ClinVar:

ClinVar aggregate classification (germline): Pathogenic (1 of 4 stars; one submission).

Conditions:
KBG syndrome (KBGS). Also called: ANKRD11-Related KBG Syndrome. Identifiers: Orphanet 2332, MedGen C0220687, MONDO:0007846, OMIM 148050.

Submission:

Variantyx, Inc.
Classification: Pathogenic for KBG syndrome. Last evaluated: 2026-01-20. Review status: criteria provided, single submitter. Criteria: Variantyx Assertion Criteria 2022. Collection method: clinical testing. Allele origin: de novo. Inheritance: Autosomal dominant inheritance. Affected: yes.
Comment: This is a nonsense variant in the ANKRD11 gene (OMIM: 611192). Pathogenic variants in this gene have been associated with autosomal dominant KBG syndrome. The alteration introduces a premature termination codon in exon 9 out of 13 and is expected to result in loss of function, which is a known disease mechanism for ANKRD11 in this disorder (PMID: 21782149, 25125236, 25413698, 25652421) (PVS1). This variant is absent from control populations (PM2). Based on the current evidence, this variant is classified as pathogenic for autosomal dominant KBG syndrome.

Literature cited by the submitters: PubMed 21782149; PubMed 25125236; PubMed 25413698; PubMed 25652421.

NM_013275.6(ANKRD11):c.6418G>T (p.Glu2140Ter)

Gene: ANKRD11 (ankyrin repeat domain 11; minus strand). Cytogenetic location: 16q24.3.
Variant type: single nucleotide variant.
Coding change: c.6418G>T on transcript NM_013275.6 (MANE Select); coding-DNA position 6418, G replaced by T.
Protein change: p.Glu2140Ter; replaces glutamic acid 2140 with a stop codon.
Molecular consequence: nonsense.
Genome position (GRCh38, 1-based): chr16:89,280,124, C>A on the plus strand (G>T on the coding strand, the complement: ANKRD11 is on the minus strand). VCF-style: chr16-89280124-C-A. GRCh37 (hg19) VCF-style: chr16-89346532-C-A.
Other names: c.6418G>T, p.Glu2140Ter (NM_001256182.2, NM_001256183.2); short protein forms E2140*.
Identifiers: ClinVar variation 4850056 (VCV004850056.1).
Genomic context (GRCh38, chr16:89,280,124, plus strand): 5'-GACTTTCTTCCACGGGTTCCGCTTCACCATCTGCGGCATCTTTAGTCTGCAGGGGAAGCT[C>A]CGGCAGGGAGAAGGGCCCCAGGTCCAGGTCGTCCTCGGGGCCGGCGAAGGCGTCCGCCCA-3'